The following is an entry in ClinVar:

ClinVar aggregate classification (germline): Uncertain significance (1 of 4 stars; one submission).

Submission:

Labcorp Genetics (formerly Invitae), Labcorp
Classification: Uncertain significance. Last evaluated: 2025-11-05. Review status: criteria provided, single submitter. Criteria: Invitae Variant Classification Sherloc (09022015). Collection method: clinical testing. Allele origin: germline.
Comment: This sequence change replaces serine, which is neutral and polar, with asparagine, which is neutral and polar, at codon 196 of the ZNF143 protein (p.Ser196Asn). This variant is present in population databases (rs762494836, gnomAD 0.0009%). This variant has not been reported in the literature in individuals affected with ZNF143-related conditions. An algorithm developed to predict the effect of missense changes on protein structure and function (PolyPhen-2) suggests that this variant is likely to be tolerated. In summary, the available evidence is currently insufficient to determine the role of this variant in disease. Therefore, it has been classified as a Variant of Uncertain Significance.

NM_003442.6(ZNF143):c.587G>A (p.Ser196Asn)

Gene: ZNF143 (zinc finger protein 143; plus strand). Cytogenetic location: 11p15.4.
Variant type: single nucleotide variant.
Coding change: c.587G>A on transcript NM_003442.6 (MANE Select); coding-DNA position 587, G replaced by A.
Protein change: p.Ser196Asn; replaces serine 196 with asparagine.
Molecular consequence: missense variant.
Genome position (GRCh38, 1-based): chr11:9,479,488, G>A. VCF-style: chr11-9479488-G-A. GRCh37 (hg19) VCF-style: chr11-9501035-G-A.
Other names: c.584G>A, p.Ser195Asn (NM_001282656.2); c.494G>A, p.Ser165Asn (NM_001282657.2); short protein forms S165N, S195N, S196N.
Identifiers: ClinVar variation 4810340 (VCV004810340.1).
Genomic context (GRCh38, chr11:9,479,488, plus strand): 5'-TATCAAAATGTAAAACATTTTAAAGCTTTATTTTATTCCTATAGGTGTCCATTGATGGAA[G>A]TGAAAGTGTAGCAGGTACTGGAATGATTGGAGAAAATGAGCAAGAGAAAAAAATGCAGGT-3'
Protein context (NP_003433.3, residues 186-206): QYAAKVSIDG[Ser196Asn]ESVAGTGMIG